The following is an entry in ClinVar:

NM_006514.4(SCN10A):c.5480A>T (p.Glu1827Val)

Gene: SCN10A (sodium voltage-gated channel alpha subunit 10; minus strand). Cytogenetic location: 3p22.2.
Variant type: single nucleotide variant.
Coding change: c.5480A>T on transcript NM_006514.4 (MANE Select); coding-DNA position 5480, A replaced by T.
Protein change: p.Glu1827Val; replaces glutamic acid 1827 with valine.
Molecular consequence: missense variant.
Genome position (GRCh38, 1-based): chr3:38,697,740, T>A on the plus strand (A>T on the coding strand, the complement: SCN10A is on the minus strand). VCF-style: chr3-38697740-T-A. GRCh37 (hg19) VCF-style: chr3-38739231-T-A.
Other names: c.5477A>T, p.Glu1826Val (NM_001293306.2); c.5186A>T, p.Glu1729Val (NM_001293307.2); short protein forms E1729V, E1827V, E1826V.
Identifiers: ClinVar variation 2448830 (VCV002448830.2), dbSNP rs1205611119, ClinGen allele CA352153273.

ClinVar aggregate classification (germline): Uncertain significance (1 of 4 stars; one submission).

Conditions:
Cardiovascular phenotype. Identifiers: MedGen CN230736.

Allele frequency attached by ClinVar (database versions not stated): gnomAD 0.00001; TOPMed 0.00001.
gnomAD v4.1: 10 of 1,613,842 alleles (0.00062%); highest among the groups gnomAD compares: African/African-American, 0.0013%; no homozygotes.

Submission:

Ambry Genetics
Classification: Uncertain significance for Cardiovascular phenotype. Last evaluated: 2022-11-04. Review status: criteria provided, single submitter. Criteria: Ambry Variant Classification Scheme 2023. Collection method: clinical testing. Allele origin: germline.
Comment: The p.E1827V variant (also known as c.5480A>T), located in coding exon 27 of the SCN10A gene, results from an A to T substitution at nucleotide position 5480. The glutamic acid at codon 1827 is replaced by valine, an amino acid with dissimilar properties. This amino acid position is conserved. In addition, the in silico prediction for this alteration is inconclusive. Since supporting evidence is limited at this time, the clinical significance of this alteration remains unclear.